The following is an entry in ClinVar:

ClinVar aggregate classification (germline): Benign (1 of 4 stars; one submission).

Conditions:
Parietal foramina 2 (PFM2). Identifiers: Orphanet 60015, MedGen C1865044, MONDO:0012309, OMIM 609597.

Allele frequency attached by ClinVar (database versions not stated): gnomAD 0.01007 and 0.01096; TOPMed 0.01167; 1000 Genomes Project 0.01358; 1000 Genomes Project 30x 0.01468.
gnomAD v4.1: 1,526 of 152,492 alleles (1%); highest among the groups gnomAD compares: African/African-American, 3.5%; 30 homozygotes.

Submission:

Illumina Laboratory Services, Illumina
Classification: Benign for Parietal foramina 2. Last evaluated: 2018-01-13. Review status: criteria provided, single submitter. Criteria: ICSL Variant Classification Criteria 13 December 2019. Collection method: clinical testing. Allele origin: germline.
Comment: This variant was observed in the ICSL laboratory as part of a predisposition screen in an ostensibly healthy population. It had not been previously curated by ICSL or reported in the Human Gene Mutation Database (HGMD: prior to June 1st, 2018), and was therefore a candidate for classification through an automated scoring system. Utilizing variant allele frequency, disease prevalence and penetrance estimates, and inheritance mode, an automated score was calculated to assess if this variant is too frequent to cause the disease. Based on the score and internal cut-off values, a variant classified as benign is not then subjected to further curation. The score for this variant resulted in a classification of benign for this disease.

NM_021926.4(ALX4):c.*923C>T

Gene: ALX4 (ALX homeobox 4; minus strand). Cytogenetic location: 11p11.2.
Variant type: single nucleotide variant.
Coding change: c.*923C>T on transcript NM_021926.4 (MANE Select); 923 bases downstream of the stop codon, C replaced by T.
Molecular consequence: 3 prime UTR variant.
Genome position (GRCh38, 1-based): chr11:44,263,931, G>A on the plus strand (C>T on the coding strand, the complement: ALX4 is on the minus strand). VCF-style: chr11-44263931-G-A. GRCh37 (hg19) VCF-style: chr11-44285481-G-A.
Other names: c.*923C>T (LRG_1256t1).
Identifiers: ClinVar variation 304677 (VCV000304677.5), dbSNP rs181642223, ClinGen allele CA10638562.